The following is an entry in ClinVar:

NM_004500.4(HNRNPC):c.360T>C (p.Tyr120=)

Gene: HNRNPC (heterogeneous nuclear ribonucleoprotein C; minus strand). Cytogenetic location: 14q11.2.
Variant type: single nucleotide variant.
Coding change: c.360T>C on transcript NM_004500.4 (MANE Select); coding-DNA position 360, T replaced by C.
Protein change: p.Tyr120=; no amino-acid change (tyrosine 120 retained).
Molecular consequence: synonymous variant.
Genome position (GRCh38, 1-based): chr14:21,230,324, A>G on the plus strand (T>C on the coding strand, the complement: HNRNPC is on the minus strand). VCF-style: chr14-21230324-A-G. GRCh37 (hg19) VCF-style: chr14-21698483-A-G.
Other names: c.399T>C, p.Tyr133= (NM_001077442.2, NM_031314.3); c.360T>C, p.Tyr120= (NM_001077443.2).
Identifiers: ClinVar variation 5039598 (VCV005039598.1).

ClinVar aggregate classification (germline): Likely benign (1 of 4 stars; one submission).

gnomAD v4.1: 42 of 1,604,128 alleles (0.0026%); highest among the groups gnomAD compares: African/African-American, 0.0054%; no homozygotes.

Submission:

CeGaT Center for Human Genetics Tuebingen
Classification: Likely benign. Last evaluated: 2026-07-01. Review status: criteria provided, single submitter. Criteria: CeGaT Center For Human Genetics Tuebingen Variant Classification Criteria Version 2. Collection method: clinical testing. Allele origin: germline. Affected: yes. Observed: 1 variant allele.
Comment: HNRNPC: BP4, BS1